The following is an entry in ClinVar:

ClinVar aggregate classification (germline): Conflicting classifications of pathogenicity. Review status: criteria provided, conflicting classifications (1 of 4 stars). 6 submissions from 6 submitters: Uncertain significance (5); Likely benign (1). Last evaluated 2025-10-11.

Conditions:
Hereditary cancer-predisposing syndrome. Also called: Neoplastic Syndromes, Hereditary; Tumor predisposition; Hereditary Cancer Syndrome; Hereditary neoplastic syndrome. Identifiers: Orphanet 140162, MedGen C0027672, MeSH D009386, MONDO:0015356.
Endometrial carcinoma. Also called: Endometrial carcinoma, somatic. Identifiers: MedGen C0476089, MONDO:0002447, OMIM 608089, HP:0012114.
Hereditary nonpolyposis colorectal neoplasms. Identifiers: MedGen C0009405, MeSH D003123.
Lynch syndrome. Identifiers: Orphanet 144, MedGen C4552100, MONDO:0005835. Disease mechanism: loss of function.

Allele frequency attached by ClinVar (database versions not stated): gnomAD exomes below 0.00001; gnomAD 0.00001; TOPMed 0.00001.
gnomAD v4.1: 7 of 1,613,970 alleles (0.00043%); highest among the groups gnomAD compares: Admixed American, 0.0033%; no homozygotes.

Submissions (6):

Ambry Genetics
Classification: Uncertain significance for Hereditary cancer-predisposing syndrome. Last evaluated: 2025-10-11. Review status: criteria provided, single submitter. Criteria: Ambry Variant Classification Scheme 2023. Collection method: clinical testing. Allele origin: germline.
Comment: The p.D713N variant (also known as c.2137G>A), located in coding exon 4 of the MSH6 gene, results from a G to A substitution at nucleotide position 2137. The aspartic acid at codon 713 is replaced by asparagine, an amino acid with highly similar properties. This amino acid position is highly conserved in available vertebrate species. In addition, the in silico prediction for this alteration is inconclusive. Since supporting evidence is limited at this time, the clinical significance of this alteration remains unclear.

Labcorp Genetics (formerly Invitae), Labcorp
Classification: Likely benign for Hereditary nonpolyposis colorectal neoplasms. Last evaluated: 2025-09-24. Review status: criteria provided, single submitter. Criteria: Invitae Variant Classification Sherloc (09022015). Collection method: clinical testing. Allele origin: germline.

Color Diagnostics, LLC DBA Color Health
Classification: Uncertain significance for Hereditary cancer-predisposing syndrome. Last evaluated: 2024-03-06. Review status: criteria provided, single submitter. Criteria: ACMG Guidelines, 2015. Collection method: clinical testing. Allele origin: germline.
Comment: This missense variant replaces aspartic acid with asparagine at codon 713 of the MSH6 protein. Computational prediction is inconclusive regarding the impact of this variant on protein structure and function (internally defined REVEL score threshold 0.5 < inconclusive < 0.7, PMID: 27666373). To our knowledge, functional studies have not been reported for this variant. This variant has not been reported in individuals affected with MSH6-related disorders in the literature. This variant has been identified in 2/282300 chromosomes in the general population by the Genome Aggregation Database (gnomAD). The available evidence is insufficient to determine the role of this variant in disease conclusively. Therefore, this variant is classified as a Variant of Uncertain Significance.

All of Us Research Program, National Institutes of Health
Classification: Uncertain significance for Lynch syndrome. Last evaluated: 2023-09-18. Review status: criteria provided, single submitter. Criteria: ACMG Guidelines, 2015. Collection method: clinical testing. Allele origin: germline. Inheritance: Autosomal dominant inheritance. Observed: 2 variant alleles, 2 heterozygotes.
Comment: This missense variant replaces aspartic acid with asparagine at codon 713 of the MSH6 protein. Computational prediction is inconclusive regarding the impact of this variant on protein structure and function (internally defined REVEL score threshold 0.5 < inconclusive < 0.7, PMID: 27666373). Splice site prediction tools suggest that this variant may not impact RNA splicing. To our knowledge, functional studies have not been performed for this variant. This variant has not been reported in individuals affected with hereditary cancer in the literature. This variant has been identified in 2/282300 chromosomes in the general population by the Genome Aggregation Database (gnomAD). The available evidence is insufficient to determine the role of this variant in disease conclusively. Therefore, this variant is classified as a Variant of Uncertain Significance.

This study involves interpretation of variants in research participants for the purpose of population health screening. Participant phenotype was not available at the time of variant classification. Additional details can be found in publication PMID: 35346344, PMCID: PMC8962531

Baylor Genetics
Classification: Uncertain significance for Endometrial carcinoma. Last evaluated: 2023-07-20. Review status: criteria provided, single submitter. Criteria: ACMG Guidelines, 2015. Collection method: clinical testing. Allele origin: unknown.

Quest Diagnostics Nichols Institute San Juan Capistrano
Classification: Uncertain significance. Last evaluated: 2021-04-09. Review status: criteria provided, single submitter. Criteria: Quest Diagnostics criteria. Collection method: clinical testing. Allele origin: unknown.

NM_000179.3(MSH6):c.2137G>A (p.Asp713Asn)

Gene: MSH6 (mutS homolog 6; plus strand). Cytogenetic location: 2p16.3.
Variant type: single nucleotide variant.
Coding change: c.2137G>A on transcript NM_000179.3 (MANE Select); coding-DNA position 2137, G replaced by A.
Protein change: p.Asp713Asn; replaces aspartic acid 713 with asparagine.
Molecular consequence: missense variant.
Genome position (GRCh38, 1-based): chr2:47,800,120, G>A. VCF-style: chr2-47800120-G-A. GRCh37 (hg19) VCF-style: chr2-48027259-G-A.
Other names: c.1747G>A, p.Asp583Asn (NM_001281492.2); c.1231G>A, p.Asp411Asn (NM_001281493.2, NM_001281494.2); short protein forms D713N, D583N, D411N.
Identifiers: ClinVar variation 232999 (VCV000232999.36), dbSNP rs876660123, ClinGen allele CA10578093.